The following is an entry in ClinVar:

ClinVar aggregate classification (germline): Uncertain significance (1 of 4 stars; one submission).

Allele frequency attached by ClinVar (database versions not stated): gnomAD 0.00001 and 0.00002; gnomAD exomes 0.00003 and 0.00008; TOPMed 0.00005; ExAC 0.00011.
gnomAD v4.1: 49 of 1,614,116 alleles (0.003%); highest among the groups gnomAD compares: Middle Eastern, 0.033%; no homozygotes.

Submission:

Labcorp Genetics (formerly Invitae), Labcorp
Classification: Uncertain significance. Last evaluated: 2022-09-27. Review status: criteria provided, single submitter. Criteria: Invitae Variant Classification Sherloc (09022015). Collection method: clinical testing. Allele origin: germline.
Comment: This sequence change replaces methionine, which is neutral and non-polar, with threonine, which is neutral and polar, at codon 246 of the TRIM37 protein (p.Met246Thr). This variant is present in population databases (rs775538936, gnomAD 0.07%). This variant has not been reported in the literature in individuals affected with TRIM37-related conditions. ClinVar contains an entry for this variant (Variation ID: 1365475). Advanced modeling of protein sequence and biophysical properties (such as structural, functional, and spatial information, amino acid conservation, physicochemical variation, residue mobility, and thermodynamic stability) performed at Invitae indicates that this missense variant is not expected to disrupt TRIM37 protein function. Algorithms developed to predict the effect of sequence changes on RNA splicing suggest that this variant may disrupt the consensus splice site. In summary, the available evidence is currently insufficient to determine the role of this variant in disease. Therefore, it has been classified as a Variant of Uncertain Significance.

NM_015294.6(TRIM37):c.737T>C (p.Met246Thr)

Gene: TRIM37 (tripartite motif containing 37; minus strand). Cytogenetic location: 17q22.
Variant type: single nucleotide variant.
Coding change: c.737T>C on transcript NM_015294.6 (MANE Select); coding-DNA position 737, T replaced by C.
Protein change: p.Met246Thr; replaces methionine 246 with threonine.
Molecular consequence: missense variant. On other transcripts: initiator codon variant (1), non-coding transcript variant (2).
Genome position (GRCh38, 1-based): chr17:59,070,895, A>G on the plus strand (T>C on the coding strand, the complement: TRIM37 is on the minus strand). VCF-style: chr17-59070895-A-G. GRCh37 (hg19) VCF-style: chr17-57148256-A-G.
Other names: c.737T>C, p.Met246Thr (NM_001005207.5, NM_001320988.3, NM_001320989.3 and 2 more transcripts); c.635T>C, p.Met212Thr (NM_001320987.3, NM_001353082.2); c.371T>C, p.Met124Thr (NM_001320990.3); c.2T>C, p.Met1Thr (NM_001353083.2); c.275T>C, p.Met92Thr (NM_001353085.2); short protein forms M124T, M212T, M1T, M246T, M92T.
Identifiers: ClinVar variation 1365475 (VCV001365475.5), dbSNP rs775538936, ClinGen allele CA8678531.